The following is an entry in ClinVar:

ClinVar aggregate classification (germline): Uncertain significance (1 of 4 stars; one submission).

Conditions:
Marfan syndrome (MFS). Also called: FBN1-Related Marfan Syndrome; MARFAN SYNDROME, TYPE I; Marfan syndrome type 1; Marfan's syndrome; Marfan syndrome, classic. Identifiers: Orphanet 284963, Orphanet 558, MedGen C0024796, MONDO:0007947, OMIM 154700.
Familial thoracic aortic aneurysm and aortic dissection (TAAD). Also called: Thoracic aortic aneurysms and dissections. Identifiers: Orphanet 91387, MedGen C4707243, MONDO:0019625.

Submission:

Labcorp Genetics (formerly Invitae), Labcorp
Classification: Uncertain significance for Marfan syndrome; Familial thoracic aortic aneurysm and aortic dissection. Last evaluated: 2025-08-26. Review status: criteria provided, single submitter. Criteria: Invitae Variant Classification Sherloc (09022015). Collection method: clinical testing. Allele origin: germline.
Comment: This sequence change replaces threonine, which is neutral and polar, with serine, which is neutral and polar, at codon 843 of the FBN1 protein (p.Thr843Ser). This variant is not present in population databases (gnomAD no frequency). This variant has not been reported in the literature in individuals affected with FBN1-related conditions. Invitae Evidence Modeling of protein sequence and biophysical properties (such as structural, functional, and spatial information, amino acid conservation, physicochemical variation, residue mobility, and thermodynamic stability) indicates that this missense variant is not expected to disrupt FBN1 protein function with a negative predictive value of 95%. In summary, the available evidence is currently insufficient to determine the role of this variant in disease. Therefore, it has been classified as a Variant of Uncertain Significance.

NM_000138.5(FBN1):c.2527A>T (p.Thr843Ser)

Gene: FBN1 (fibrillin 1; minus strand). Cytogenetic location: 15q21.1.
Variant type: single nucleotide variant.
Coding change: c.2527A>T on transcript NM_000138.5 (MANE Select); coding-DNA position 2527, A replaced by T.
Protein change: p.Thr843Ser; replaces threonine 843 with serine.
Molecular consequence: missense variant.
Genome position (GRCh38, 1-based): chr15:48,495,481, T>A on the plus strand (A>T on the coding strand, the complement: FBN1 is on the minus strand). VCF-style: chr15-48495481-T-A. GRCh37 (hg19) VCF-style: chr15-48787678-T-A.
Other names: c.2527A>T, p.Thr843Ser (NM_001406716.1); short protein forms T843S.
Identifiers: ClinVar variation 4788328 (VCV004788328.1).